The following is an entry in ClinVar:

NM_015559.3(SETBP1):c.3079G>C (p.Asp1027His)

Gene: SETBP1 (SET binding protein 1; plus strand). Cytogenetic location: 18q12.3.
Variant type: single nucleotide variant.
Coding change: c.3079G>C on transcript NM_015559.3 (MANE Select); coding-DNA position 3079, G replaced by C.
Protein change: p.Asp1027His; replaces aspartic acid 1027 with histidine.
Molecular consequence: missense variant.
Genome position (GRCh38, 1-based): chr18:44,952,419, G>C. VCF-style: chr18-44952419-G-C. GRCh37 (hg19) VCF-style: chr18-42532384-G-C.
Other names: c.3079G>C, p.Asp1027His (NM_001379141.1, NM_001379142.1); short protein forms D1027H.
Identifiers: ClinVar variation 1030516 (VCV001030516.1), dbSNP rs1383834707, ClinGen allele CA402323371.

ClinVar aggregate classification (germline): Uncertain significance (1 of 4 stars; one submission).

Conditions:
Intellectual developmental disorder, autosomal dominant 29. Also called: SETBP1 Haploinsufficiency Disorder; Intellectual disability, autosomal dominant 29. Identifiers: Orphanet 436151, MedGen C4015141, MONDO:0014482, OMIM 616078.

Submission:

Baylor Genetics
Classification: Uncertain significance for Intellectual developmental disorder, autosomal dominant 29. Last evaluated: 2020-05-05. Review status: criteria provided, single submitter. Criteria: ACMG Guidelines, 2015. Collection method: clinical testing. Allele origin: unknown. Affected: yes.
Comment: This variant was determined to be of uncertain significance according to ACMG Guidelines, 2015 [PMID:25741868].